The following is an entry in ClinVar:

ClinVar aggregate classification (germline): Benign/Likely benign. Review status: criteria provided, multiple submitters, no conflicts (2 of 4 stars). 7 submissions from 7 submitters: Benign (1); Likely benign (5). 1 of the submissions does not count toward it. Last evaluated 2026-02-04.

Conditions:
LAMA2-related disorder. Also called: LAMA2-related disorders; LAMA2-related condition.
LAMA2-related muscular dystrophy (LAMA2-RD). Also called: Laminin alpha 2-related dystrophy. Identifiers: MedGen C5679788, MONDO:0100228.
Limb-girdle muscular dystrophy (LGMD). Also called: Muscular Dystrophies, Limb-Girdle. Identifiers: Orphanet 263, MedGen C0686353, MeSH D049288, MONDO:0016971, HP:0006785.

Allele frequency attached by ClinVar (database versions not stated): gnomAD 0.00005 and 0.00021; TOPMed 0.00006; gnomAD exomes 0.00035; ExAC 0.00074; 1000 Genomes Project 30x 0.00141; 1000 Genomes Project 0.00160.
gnomAD v4.1: 494 of 1,478,856 alleles (0.033%); highest among the groups gnomAD compares: South Asian, 0.46%; 5 homozygotes.

Submissions (7):

Labcorp Genetics (formerly Invitae), Labcorp
Classification: Benign for LAMA2-related muscular dystrophy. Last evaluated: 2026-02-04. Review status: criteria provided, single submitter. Criteria: Invitae Variant Classification Sherloc (09022015). Collection method: clinical testing. Allele origin: germline.

Blueprint Genetics
Classification: Likely benign. Last evaluated: 2024-10-08. Review status: criteria provided, single submitter. Criteria: ACMG Guidelines, 2015. Collection method: clinical testing. Allele origin: germline.

Cambridge Genomics Laboratory, East Genomic Laboratory Hub, NHS Genomic Medicine Service
Classification: Likely benign for Limb-girdle muscular dystrophy. Last evaluated: 2020-05-29. Review status: criteria provided, single submitter. Criteria: ACGS Best Practice Guidelines for Variant Classification in Rare Disease 2020. Collection method: clinical testing. Allele origin: germline. Affected: yes. Observed: 1 variant allele.

GeneDx
Classification: Likely benign. Last evaluated: 2017-04-14. Review status: criteria provided, single submitter. Criteria: GeneDx Variant Classification (06012015). Collection method: clinical testing. Allele origin: germline. Affected: yes.
Comment: This variant is considered likely benign or benign based on one or more of the following criteria: it is a conservative change, it occurs at a poorly conserved position in the protein, it is predicted to be benign by multiple in silico algorithms, and/or has population frequency not consistent with disease.

Eurofins Ntd Llc (ga)
Classification: Likely benign. Last evaluated: 2016-10-12. Review status: criteria provided, single submitter. Criteria: EGL Classification Definitions 2015. Collection method: clinical testing. Allele origin: germline. Observed: 1 variant allele, 1 heterozygote.

Breakthrough Genomics
Classification: Likely benign. Review status: criteria provided, single submitter. Criteria: ACMG Guidelines, 2015. Collection method: not provided. Allele origin: germline. Inheritance: Autosomal recessive inheritance. Affected: yes.

PreventionGenetics, part of Exact Sciences
Classification: Likely benign for LAMA2-related condition. Last evaluated: 2019-05-10. Review status: no assertion criteria provided. Collection method: clinical testing. Allele origin: germline. Not counted in ClinVar's aggregate classification.
Comment: This variant is classified as likely benign based on ACMG/AMP sequence variant interpretation guidelines (Richards et al. 2015 PMID: 25741868, with internal and published modifications).

NM_000426.4(LAMA2):c.5969-4G>A

Gene: LAMA2 (laminin subunit alpha 2; plus strand). Cytogenetic location: 6q22.33.
Variant type: single nucleotide variant.
Coding change: c.5969-4G>A on transcript NM_000426.4 (MANE Select); 4 bases into the intron before coding-DNA position 5969, G replaced by A.
Molecular consequence: intron variant.
Genome position (GRCh38, 1-based): chr6:129,438,642, G>A. VCF-style: chr6-129438642-G-A. GRCh37 (hg19) VCF-style: chr6-129759787-G-A.
Other names: c.5969-4G>A (NM_001079823.2).
Identifiers: ClinVar variation 497348 (VCV000497348.23), dbSNP rs566302197, ClinGen allele CA3994071.
Genomic context (GRCh38, chr6:129,438,642, plus strand): 5'-ATCCAAGTATAAGCTCAGGGATGATAAAACTTATTTAATCCTTTTTTTTGTTTTTTATTC[G>A]CAGAAAATGAAGACCATCTAAATGGCTTAAAAACCAGGATAGAAAATGCTGATGCTAGAA-3'